The following is an entry in ClinVar:

ClinVar aggregate classification (germline): Benign (1 of 4 stars; one submission).

Conditions:
Glycogen storage disease, type II (IOPD). Also called: Pompe Disease; CARDIOMEGALIA GLYCOGENICA DIFFUSA; GLYCOGENOSIS, GENERALIZED, CARDIAC FORM; GSD II; POMPE DISEASE, INFANTILE-ONSET; GLYCOGEN STORAGE DISEASE II, INFANTILE-ONSET. Identifiers: Orphanet 365, MedGen C0017921, MONDO:0009290, OMIM 232300.

gnomAD v4.1: 3,668 of 152,240 alleles (2.4%); highest among the groups gnomAD compares: African/African-American, 6.7%; 92 homozygotes.

Submission:

Genomenon, Inc
Classification: Benign for Glycogen storage disease, type II. Last evaluated: 2026-07-01. Review status: criteria provided, single submitter. Criteria: Genomenon Sequence Variant Interpretation Standards - Updated. Collection method: curation. Allele origin: germline. Affected: no.
Comment: GAA c.-32-793C>G is an intronic variant located in the 5′ untranslated region (5′ UTR). This variant is present at high allele frequency in population databases. We classify GAA c.-32-793C>G as a benign variant.

NM_000152.5(GAA):c.-32-793C>G

Gene: GAA (alpha glucosidase; plus strand). Cytogenetic location: 17q25.3.
Variant type: single nucleotide variant.
Coding change: c.-32-793C>G on transcript NM_000152.5 (MANE Select); 793 bases into the intron before 32 bases upstream of the start codon, C replaced by G.
Molecular consequence: intron variant.
Genome position (GRCh38, 1-based): chr17:80,103,762, C>G. VCF-style: chr17-80103762-C-G. GRCh37 (hg19) VCF-style: chr17-78077561-C-G.
Other names: c.-32-793C>G (NM_001406741.1, NM_001406742.1, NM_001079803.3 and 1 more transcripts).
Identifiers: ClinVar variation 4876416 (VCV004876416.1).